The following is an entry in ClinVar:

NM_016203.4(PRKAG2):c.1554G>A (p.Glu518=)

Gene: PRKAG2 (protein kinase AMP-activated non-catalytic subunit gamma 2; minus strand). Cytogenetic location: 7q36.1.
Variant type: single nucleotide variant.
Coding change: c.1554G>A on transcript NM_016203.4 (MANE Select); coding-DNA position 1554, G replaced by A.
Protein change: p.Glu518=; no amino-acid change (glutamic acid 518 retained).
Molecular consequence: synonymous variant.
Genome position (GRCh38, 1-based): chr7:151,564,108, C>T on the plus strand (G>A on the coding strand, the complement: PRKAG2 is on the minus strand). VCF-style: chr7-151564108-C-T. GRCh37 (hg19) VCF-style: chr7-151261194-C-T.
Other names: c.1422G>A, p.Glu474= (NM_001040633.2, NM_001407024.1); c.1179G>A, p.Glu393= (NM_001304527.2, NM_001407029.1); c.831G>A, p.Glu277= (NM_001304531.2, NM_001407034.1, NM_001407035.1 and 1 more transcripts); c.1182G>A, p.Glu394= (NM_001363698.2, NM_001407028.1); c.1554G>A, p.Glu518= (NM_001407021.1); c.1551G>A, p.Glu517= (NM_001407022.1, NM_001407023.1); c.1419G>A, p.Glu473= (NM_001407026.1, NM_001407027.1); c.1266G>A, p.Glu422= (NM_001407030.1); and 6 more.
Identifiers: ClinVar variation 3019079 (VCV003019079.4), dbSNP rs2536274957, ClinGen allele CA458663471.

ClinVar aggregate classification (germline): Likely benign. Review status: criteria provided, multiple submitters, no conflicts (2 of 4 stars). 2 submissions from 2 submitters: Likely benign (2). Last evaluated 2023-11-08.

Conditions:
Hypertrophic cardiomyopathy. Also called: HYPERTROPHIC MYOCARDIOPATHY. Identifiers: Orphanet 217569, MedGen C0007194, MeSH D002312, MONDO:0005045, HP:0001639.
Lethal congenital glycogen storage disease of heart. Also called: GLYCOGEN STORAGE DISEASE OF HEART; PHOSPHORYLASE KINASE DEFICIENCY OF HEART. Identifiers: Orphanet 439854, MedGen C1849813, MONDO:0009867, OMIM 261740.

Allele frequency attached by ClinVar (database versions not stated): gnomAD exomes below 0.00001.
gnomAD v4.1: 1 of 1,614,160 alleles (0.000062%); highest among the groups gnomAD compares: Non-Finnish European, 0.000085%; no homozygotes.

Submissions (2):

Labcorp Genetics (formerly Invitae), Labcorp
Classification: Likely benign for Lethal congenital glycogen storage disease of heart. Last evaluated: 2023-11-08. Review status: criteria provided, single submitter. Criteria: Invitae Variant Classification Sherloc (09022015). Collection method: clinical testing. Allele origin: germline.

All of Us Research Program, National Institutes of Health
Classification: Likely benign for Hypertrophic cardiomyopathy. Last evaluated: 2023-05-30. Review status: criteria provided, single submitter. Criteria: ACMG Guidelines, 2015. Collection method: clinical testing. Allele origin: germline. Inheritance: Autosomal dominant inheritance. Observed: 1 variant allele, 1 heterozygote.
Comment: This study involves interpretation of variants in research participants for the purpose of population health screening. Participant phenotype was not available at the time of variant classification. Additional details can be found in publication PMID: 35346344, PMCID: PMC8962531